The following is an entry in ClinVar:

NM_000143.4(FH):c.56C>G (p.Ala19Gly)

Gene: FH (fumarate hydratase; minus strand). Cytogenetic location: 1q43.
Variant type: single nucleotide variant.
Coding change: c.56C>G on transcript NM_000143.4 (MANE Select); coding-DNA position 56, C replaced by G.
Protein change: p.Ala19Gly; replaces alanine 19 with glycine.
Molecular consequence: missense variant.
Genome position (GRCh38, 1-based): chr1:241,519,667, G>C on the plus strand (C>G on the coding strand, the complement: FH is on the minus strand). VCF-style: chr1-241519667-G-C. GRCh37 (hg19) VCF-style: chr1-241682967-G-C.
Other names: short protein forms A19G.
Identifiers: ClinVar variation 5021716 (VCV005021716.1).

ClinVar aggregate classification (germline): Uncertain significance (1 of 4 stars; one submission).

Conditions:
Hereditary cancer-predisposing syndrome. Also called: Neoplastic Syndromes, Hereditary; Tumor predisposition; Hereditary neoplastic syndrome; Hereditary Cancer Syndrome. Identifiers: Orphanet 140162, MedGen C0027672, MeSH D009386, MONDO:0015356.

Submission:

Ambry Genetics
Classification: Uncertain significance for Hereditary cancer-predisposing syndrome. Last evaluated: 2026-07-02. Review status: criteria provided, single submitter. Criteria: Ambry Variant Classification Scheme 2023. Collection method: clinical testing. Allele origin: germline.
Comment: The p.A19G variant (also known as c.56C>G), located in coding exon 1 of the FH gene, results from a C to G substitution at nucleotide position 56. The alanine at codon 19 is replaced by glycine, an amino acid with similar properties. This amino acid position is conserved. In addition, this alteration is predicted to be tolerated by in silico analysis. Based on the available evidence, the clinical significance of this variant remains unclear.